The following is an entry in ClinVar:

NM_012208.4(HARS2):c.1433A>G (p.Lys478Arg)

Gene: HARS2 (histidyl-tRNA synthetase 2, mitochondrial; plus strand). Cytogenetic location: 5q31.3.
Variant type: single nucleotide variant.
Coding change: c.1433A>G on transcript NM_012208.4 (MANE Select); coding-DNA position 1433, A replaced by G.
Protein change: p.Lys478Arg; replaces lysine 478 with arginine.
Molecular consequence: missense variant.
Genome position (GRCh38, 1-based): chr5:140,698,050, A>G. VCF-style: chr5-140698050-A-G. GRCh37 (hg19) VCF-style: chr5-140077635-A-G.
Other names: c.1358A>G, p.Lys453Arg (NM_001278731.2); c.1001A>G, p.Lys334Arg (NM_001278732.2); c.1451A>G, p.Lys484Arg (NM_001363535.2); c.1223A>G, p.Lys408Arg (NM_001363536.2); c.1433A>G (NM_012208.2); short protein forms K453R, K478R, K334R, K408R, K484R.
Identifiers: ClinVar variation 1912957 (VCV001912957.6), dbSNP rs535080797, ClinGen allele CA3444704.

ClinVar aggregate classification (germline): Uncertain significance. Review status: criteria provided, multiple submitters, no conflicts (2 of 4 stars). 2 submissions from 2 submitters: Uncertain significance (2). Last evaluated 2025-11-19.

Conditions:
Inborn genetic diseases. Identifiers: MedGen C0950123, MeSH D030342.

Allele frequency attached by ClinVar (database versions not stated): TOPMed below 0.00001; gnomAD 0.00001; gnomAD exomes 0.00002; ExAC 0.00005; 1000 Genomes Project 30x 0.00031; 1000 Genomes Project 0.00040.

Submissions (2):

Ambry Genetics
Classification: Uncertain significance for Inborn genetic diseases. Last evaluated: 2025-11-19. Review status: criteria provided, single submitter. Criteria: Ambry Variant Classification Scheme 2023. Collection method: clinical testing. Allele origin: germline.

Labcorp Genetics (formerly Invitae), Labcorp
Classification: Uncertain significance. Last evaluated: 2022-06-01. Review status: criteria provided, single submitter. Criteria: Invitae Variant Classification Sherloc (09022015). Collection method: clinical testing. Allele origin: germline.
Comment: This sequence change replaces lysine, which is basic and polar, with arginine, which is basic and polar, at codon 478 of the HARS2 protein (p.Lys478Arg). In summary, the available evidence is currently insufficient to determine the role of this variant in disease. Therefore, it has been classified as a Variant of Uncertain Significance. Algorithms developed to predict the effect of missense changes on protein structure and function (SIFT, PolyPhen-2, Align-GVGD) all suggest that this variant is likely to be tolerated. This variant has not been reported in the literature in individuals affected with HARS2-related conditions. This variant is present in population databases (rs535080797, gnomAD 0.02%).